The following is an entry in ClinVar:

NM_002778.4(PSAP):c.835A>G (p.Met279Val)

Gene: PSAP (prosaposin; minus strand). Cytogenetic location: 10q22.1.
Variant type: single nucleotide variant.
Coding change: c.835A>G on transcript NM_002778.4 (MANE Select); coding-DNA position 835, A replaced by G.
Protein change: p.Met279Val; replaces methionine 279 with valine.
Molecular consequence: missense variant.
Genome position (GRCh38, 1-based): chr10:71,821,950, T>C on the plus strand (A>G on the coding strand, the complement: PSAP is on the minus strand). VCF-style: chr10-71821950-T-C. GRCh37 (hg19) VCF-style: chr10-73581707-T-C.
Other names: c.844A>G, p.Met282Val (NM_001042465.3); c.841A>G, p.Met281Val (NM_001042466.3); short protein forms M279V, M281V, M282V.
Identifiers: ClinVar variation 1303415 (VCV001303415.3), dbSNP rs2133035273, ClinGen allele CA377147697.

ClinVar aggregate classification (germline): Uncertain significance. Review status: criteria provided, multiple submitters, no conflicts (2 of 4 stars). 2 submissions from 2 submitters: Uncertain significance (2). Last evaluated 2022-08-21.

Conditions:
Sphingolipid activator protein 1 deficiency. Also called: Metachromatic leukodystrophy due to saposin B deficiency; Saposin B Deficiency; METACHROMATIC LEUKODYSTROPHY DUE TO CEREBROSIDE SULFATASE ACTIVATOR DEFICIENCY. Identifiers: Orphanet 512, MedGen C0268262, MONDO:0009590, OMIM 249900.

Submissions (2):

Labcorp Genetics (formerly Invitae), Labcorp
Classification: Uncertain significance for Sphingolipid activator protein 1 deficiency. Last evaluated: 2022-08-21. Review status: criteria provided, single submitter. Criteria: Invitae Variant Classification Sherloc (09022015). Collection method: clinical testing. Allele origin: germline.
Comment: This sequence change replaces methionine, which is neutral and non-polar, with valine, which is neutral and non-polar, at codon 279 of the PSAP protein (p.Met279Val). This variant is not present in population databases (gnomAD no frequency). This variant has not been reported in the literature in individuals affected with PSAP-related conditions. ClinVar contains an entry for this variant (Variation ID: 1303415). Algorithms developed to predict the effect of missense changes on protein structure and function are either unavailable or do not agree on the potential impact of this missense change (SIFT: "Not Available"; PolyPhen-2: "Benign"; Align-GVGD: "Not Available"). In summary, the available evidence is currently insufficient to determine the role of this variant in disease. Therefore, it has been classified as a Variant of Uncertain Significance.

GeneDx
Classification: Uncertain significance. Last evaluated: 2020-08-18. Review status: criteria provided, single submitter. Criteria: GeneDx Variant Classification Process June 2021. Collection method: clinical testing. Allele origin: germline. Affected: yes.
Comment: Not observed in large population cohorts (Lek et al., 2016); In silico analysis supports that this missense variant does not alter protein structure/function; Has not been previously published as pathogenic or benign to our knowledge